The following is an entry in ClinVar:

ClinVar aggregate classification (germline): Uncertain significance (1 of 4 stars; one submission).

Conditions:
Charcot-Marie-Tooth disease, type I (CMT1). Also called: Charcot-Marie-Tooth, Type 1; Charcot-Marie-Tooth disease type 1. Identifiers: Orphanet 65753, MedGen C0751036, MONDO:0019011.

gnomAD v4.1: 1 of 1,614,048 alleles (0.000062%); highest among the groups gnomAD compares: Non-Finnish European, 0.000085%; no homozygotes.

Submission:

Labcorp Genetics (formerly Invitae), Labcorp
Classification: Uncertain significance for Charcot-Marie-Tooth disease, type I. Last evaluated: 2024-09-19. Review status: criteria provided, single submitter. Criteria: Invitae Variant Classification Sherloc (09022015). Collection method: clinical testing. Allele origin: germline.
Comment: This sequence change replaces glycine, which is neutral and non-polar, with alanine, which is neutral and non-polar, at codon 133 of the PMP22 protein (p.Gly133Ala). This variant is present in population databases (no rsID available, gnomAD 0.0009%). This variant has not been reported in the literature in individuals affected with PMP22-related conditions. Invitae Evidence Modeling of protein sequence and biophysical properties (such as structural, functional, and spatial information, amino acid conservation, physicochemical variation, residue mobility, and thermodynamic stability) indicates that this missense variant is expected to disrupt PMP22 protein function with a positive predictive value of 95%. In summary, the available evidence is currently insufficient to determine the role of this variant in disease. Therefore, it has been classified as a Variant of Uncertain Significance.

NM_000304.4(PMP22):c.398G>C (p.Gly133Ala)

Gene: PMP22 (peripheral myelin protein 22; minus strand). Cytogenetic location: 17p12.
Variant type: single nucleotide variant.
Coding change: c.398G>C on transcript NM_000304.4 (MANE Select); coding-DNA position 398, G replaced by C.
Protein change: p.Gly133Ala; replaces glycine 133 with alanine.
Molecular consequence: missense variant. On other transcripts: non-coding transcript variant (2).
Genome position (GRCh38, 1-based): chr17:15,231,002, C>G on the plus strand (G>C on the coding strand, the complement: PMP22 is on the minus strand). VCF-style: chr17-15231002-C-G. GRCh37 (hg19) VCF-style: chr17-15134319-C-G.
Other names: c.398G>C, p.Gly133Ala (NM_001281455.2, NM_001281456.2, NM_153321.3 and 1 more transcripts); short protein forms G133A.
Identifiers: ClinVar variation 3712749 (VCV003712749.2).